The following is an entry in ClinVar:

ClinVar aggregate classification (germline): Uncertain significance (1 of 4 stars; one submission).

Conditions:
NIK deficiency. Also called: Primary immunodeficiency with multifaceted aberrant lymphoid immunity. Identifiers: Orphanet 447731, MedGen C5680065, MONDO:0018642.

Allele frequency attached by ClinVar (database versions not stated): gnomAD 0.00001; gnomAD exomes 0.00002 and 0.00003; TOPMed 0.00003; ExAC 0.00005; ESP Exome Variant Server 0.00008.
gnomAD v4.1: 31 of 1,604,392 alleles (0.0019%); highest among the groups gnomAD compares: Non-Finnish European, 0.0025%; no homozygotes.

Submission:

Labcorp Genetics (formerly Invitae), Labcorp
Classification: Uncertain significance for NIK deficiency. Last evaluated: 2025-06-12. Review status: criteria provided, single submitter. Criteria: Invitae Variant Classification Sherloc (09022015). Collection method: clinical testing. Allele origin: germline.
Comment: This sequence change replaces serine, which is neutral and polar, with phenylalanine, which is neutral and non-polar, at codon 365 of the MAP3K14 protein (p.Ser365Phe). This variant is present in population databases (rs370433846, gnomAD 0.006%). This variant has not been reported in the literature in individuals affected with MAP3K14-related conditions. ClinVar contains an entry for this variant (Variation ID: 1366253). Experimental studies and prediction algorithms are not available or were not evaluated, and the functional significance of this variant is currently unknown. In summary, the available evidence is currently insufficient to determine the role of this variant in disease. Therefore, it has been classified as a Variant of Uncertain Significance.

NM_003954.5(MAP3K14):c.1094C>T (p.Ser365Phe)

Gene: MAP3K14 (mitogen-activated protein kinase kinase kinase 14; minus strand). Cytogenetic location: 17q21.31.
Variant type: single nucleotide variant.
Coding change: c.1094C>T on transcript NM_003954.5 (MANE Select); coding-DNA position 1094, C replaced by T.
Protein change: p.Ser365Phe; replaces serine 365 with phenylalanine.
Molecular consequence: missense variant.
Genome position (GRCh38, 1-based): chr17:45,286,489, G>A on the plus strand (C>T on the coding strand, the complement: MAP3K14 is on the minus strand). VCF-style: chr17-45286489-G-A. GRCh37 (hg19) VCF-style: chr17-43363856-G-A.
Other names: short protein forms S365F.
Identifiers: ClinVar variation 1366253 (VCV001366253.5), dbSNP rs370433846, ClinGen allele CA8614225.